The following is an entry in ClinVar:

ClinVar aggregate classification (germline): Benign (1 of 4 stars; one submission).

Submission:

GeneDx
Classification: Benign. Last evaluated: 2019-08-23. Review status: criteria provided, single submitter. Criteria: GeneDx Variant Classification Process June 2021. Collection method: clinical testing. Allele origin: germline. Affected: yes.
Comment: This variant is associated with the following publications: (PMID: 22718505)

NM_001131005.2(MEF2C):c.-143+4248dup

Gene: MEF2C (myocyte enhancer factor 2C; minus strand). Cytogenetic location: 5q14.3.
Variant type: Duplication.
Coding change: c.-143+4248dup on transcript NM_001131005.2; 4248 bases into the intron after 143 bases upstream of the start codon, one base duplicated (C; older notation c.-143+4248dupC).
Molecular consequence: intron variant.
Genome position (GRCh38, 1-based): chr5:88,883,254, G duplicated on the plus strand (C on the coding strand, the reverse complement: MEF2C is on the minus strand); the first of 9 consecutive G bases (chr5:88,883,254-88,883,262); duplicating any one gives the same sequence. VCF-style (leftmost placement, unchanged base first): chr5-88883253-A-AG. GRCh37 (hg19) VCF-style: chr5-88179070-A-AG.
Other names: c.-140+4248dup (NM_001364329.2, NM_001364334.2); c.-143+4248dup (NM_001364330.2, NM_001193347.1); c.-143+1235dup (NM_001364345.2, NM_001364335.2).
Identifiers: ClinVar variation 354599 (VCV000354599.7), dbSNP rs144197632, ClinGen allele CA10625307.